The following is an entry in ClinVar:

ClinVar aggregate classification (germline): Uncertain significance (1 of 4 stars; one submission).

Conditions:
Developmental and epileptic encephalopathy, 11 (DEE11). Also called: Early infantile epileptic encephalopathy 11. Identifiers: Orphanet 1934, MedGen C3150987, MONDO:0013388, OMIM 613721.
Seizures, benign familial infantile, 3 (BFIS3). Also called: CONVULSIONS, BENIGN FAMILIAL INFANTILE, 3; Familial neonatal seizures. Identifiers: Orphanet 140927, Orphanet 306, MedGen C1843140, MONDO:0011904, OMIM 607745.

Allele frequency attached by ClinVar (database versions not stated): TOPMed below 0.00001; gnomAD 0.00001.
gnomAD v4.1: 1 of 1,613,984 alleles (0.000062%); highest among the groups gnomAD compares: Non-Finnish European, 0.000085%; no homozygotes.

Submission:

Labcorp Genetics (formerly Invitae), Labcorp
Classification: Uncertain significance for Seizures, benign familial infantile, 3; Developmental and epileptic encephalopathy, 11. Last evaluated: 2024-11-11. Review status: criteria provided, single submitter. Criteria: Invitae Variant Classification Sherloc (09022015). Collection method: clinical testing. Allele origin: germline.
Comment: This sequence change replaces valine, which is neutral and non-polar, with alanine, which is neutral and non-polar, at codon 953 of the SCN2A protein (p.Val953Ala). This variant is not present in population databases (gnomAD no frequency). This variant has not been reported in the literature in individuals affected with SCN2A-related conditions. ClinVar contains an entry for this variant (Variation ID: 2923171). Invitae Evidence Modeling of protein sequence and biophysical properties (such as structural, functional, and spatial information, amino acid conservation, physicochemical variation, residue mobility, and thermodynamic stability) indicates that this missense variant is expected to disrupt SCN2A protein function with a positive predictive value of 95%. In summary, the available evidence is currently insufficient to determine the role of this variant in disease. Therefore, it has been classified as a Variant of Uncertain Significance.

NM_001040142.2(SCN2A):c.2858T>C (p.Val953Ala)

Gene: SCN2A (sodium voltage-gated channel alpha subunit 2; plus strand). Cytogenetic location: 2q24.3.
Variant type: single nucleotide variant.
Coding change: c.2858T>C on transcript NM_001040142.2 (MANE Select); coding-DNA position 2858, T replaced by C.
Protein change: p.Val953Ala; replaces valine 953 with alanine.
Molecular consequence: missense variant.
Genome position (GRCh38, 1-based): chr2:165,344,850, T>C. VCF-style: chr2-165344850-T-C. GRCh37 (hg19) VCF-style: chr2-166201360-T-C.
Other names: c.2858T>C, p.Val953Ala (NM_001040143.2, NM_001371246.1, NM_001371247.1 and 1 more transcripts); short protein forms V953A.
Identifiers: ClinVar variation 2923171 (VCV002923171.3), dbSNP rs1294255501, ClinGen allele CA349016204.
Genomic context (GRCh38, chr2:165,344,850, plus strand): 5'-TGATCGTGTTCCGCGTGCTGTGTGGAGAGTGGATAGAGACCATGTGGGACTGTATGGAGG[T>C]CGCTGGCCAAACCATGTGCCTTACTGTCTTCATGATGGTCATGGTGATTGGAAATCTAGT-3'
Protein context (NP_001035232.1, residues 943-963): WIETMWDCME[Val953Ala]AGQTMCLTVF